The following is an entry in ClinVar:

NM_002292.4(LAMB2):c.799C>T (p.Arg267Ter)

Gene: LAMB2 (laminin subunit beta 2; minus strand). Cytogenetic location: 3p21.31.
Variant type: single nucleotide variant.
Coding change: c.799C>T on transcript NM_002292.4 (MANE Select); coding-DNA position 799, C replaced by T.
Protein change: p.Arg267Ter; replaces arginine 267 with a stop codon.
Molecular consequence: nonsense.
Genome position (GRCh38, 1-based): chr3:49,131,066, G>A on the plus strand (C>T on the coding strand, the complement: LAMB2 is on the minus strand). VCF-style: chr3-49131066-G-A. GRCh37 (hg19) VCF-style: chr3-49168499-G-A.
Other names: short protein forms R267*.
Identifiers: ClinVar variation 3899346 (VCV003899346.2).

ClinVar aggregate classification (germline): Pathogenic (1 of 4 stars; one submission).

Conditions:
Pierson syndrome. Also called: MICROCORIA-CONGENITAL NEPHROTIC SYNDROME. Identifiers: Orphanet 2670, MedGen C1836876, MONDO:0012184, OMIM 609049.
LAMB2-related infantile-onset nephrotic syndrome. Also called: Nephrotic Syndrome, type 5; NEPHROTIC SYNDROME, TYPE 5, WITHOUT OCULAR ABNORMALITIES; NEPHROTIC SYNDROME, TYPE 5, WITH OCULAR ABNORMALITIES. Identifiers: Orphanet 306507, MedGen C3280113, MONDO:0013621, OMIM 614199.

gnomAD v4.1: 1 of 1,613,796 alleles (0.000062%); highest among the groups gnomAD compares: African/African-American, 0.0013%; no homozygotes.

Submission:

Juno Genomics, Hangzhou Juno Genomics, Inc
Classification: Pathogenic for LAMB2-related infantile-onset nephrotic syndrome; Pierson syndrome. Review status: criteria provided, single submitter. Criteria: ACMG Guidelines, 2015. Collection method: clinical testing. Allele origin: germline. Affected: yes.
Comment: Absent from controls (or at extremely low frequency if recessive) in Genome Aggregation Database, Exome Sequencing Project, 1000 Genomes Project, or Exome Aggregation Consortium.;Null variant in a gene where loss of function (LOF) is a known mechanism of disease.;For recessive disorders, detected in trans with a pathogenic variant.;Patient's phenotype or family history is highly specific for a disease with a single genetic etiology.